The following is an entry in ClinVar:

ClinVar aggregate classification (germline): Uncertain significance (1 of 4 stars; one submission).

Allele frequency attached by ClinVar (database versions not stated): TOPMed below 0.00001; gnomAD exomes 0.00001.
gnomAD v4.1: 17 of 1,606,386 alleles (0.0011%); highest among the groups gnomAD compares: Non-Finnish European, 0.0014%; no homozygotes.

Submission:

Labcorp Genetics (formerly Invitae), Labcorp
Classification: Uncertain significance. Last evaluated: 2024-04-15. Review status: criteria provided, single submitter. Criteria: Invitae Variant Classification Sherloc (09022015). Collection method: clinical testing. Allele origin: germline.
Comment: This sequence change replaces arginine, which is basic and polar, with cysteine, which is neutral and slightly polar, at codon 358 of the CYFIP2 protein (p.Arg358Cys). This variant is not present in population databases (gnomAD no frequency). This variant has not been reported in the literature in individuals affected with CYFIP2-related conditions. ClinVar contains an entry for this variant (Variation ID: 1449049). Experimental studies and prediction algorithms are not available or were not evaluated, and the functional significance of this variant is currently unknown. In summary, the available evidence is currently insufficient to determine the role of this variant in disease. Therefore, it has been classified as a Variant of Uncertain Significance.

NM_001037333.3(CYFIP2):c.1072C>T (p.Arg358Cys)

Gene: CYFIP2 (cytoplasmic FMR1 interacting protein 2; plus strand). Cytogenetic location: 5q33.3.
Variant type: single nucleotide variant.
Coding change: c.1072C>T on transcript NM_001037333.3 (MANE Select); coding-DNA position 1072, C replaced by T.
Protein change: p.Arg358Cys; replaces arginine 358 with cysteine.
Molecular consequence: missense variant.
Genome position (GRCh38, 1-based): chr5:157,311,743, C>T. VCF-style: chr5-157311743-C-T. GRCh37 (hg19) VCF-style: chr5-156738751-C-T.
Other names: c.994C>T, p.Arg332Cys (NM_001291721.2); c.1072C>T, p.Arg358Cys (NM_001291722.2, NM_014376.4); short protein forms R358C, R332C.
Identifiers: ClinVar variation 1449049 (VCV001449049.6), dbSNP rs763206176, ClinGen allele CA361968096.